The following is an entry in ClinVar:

ClinVar aggregate classification (germline): Conflicting classifications of pathogenicity. Review status: criteria provided, conflicting classifications (1 of 4 stars). 4 submissions from 4 submitters: Uncertain significance (1); Likely benign (2). 1 of the submissions does not count toward it. Last evaluated 2025-02-16.

Conditions:
Intellectual developmental disorder, autosomal dominant 39. Also called: Intellectual disability, autosomal dominant 39; Mental retardation, autosomal dominant 39. Identifiers: MedGen C4225296, MONDO:0014678, OMIM 616521.
Inborn genetic diseases. Identifiers: MedGen C0950123, MeSH D030342.
MYT1L-related disorder. Also called: MYT1L-related condition.

Allele frequency attached by ClinVar (database versions not stated): 1000 Genomes Project 30x 0.00016; ESP Exome Variant Server 0.00016; TOPMed 0.00017; ExAC 0.00019; 1000 Genomes Project 0.00020; gnomAD 0.00024.
gnomAD v4.1: 202 of 1,614,030 alleles (0.013%); highest among the groups gnomAD compares: Admixed American, 0.013%; no homozygotes.

Submissions (4):

Laboratory of Genetics, Children's Clinical University Hospital Latvia
Classification: Likely benign. Last evaluated: 2025-02-16. Review status: criteria provided, single submitter. Criteria: ACMG Guidelines, 2015. Collection method: clinical testing. Allele origin: germline. Affected: yes.

Ambry Genetics
Classification: Likely benign for Inborn genetic diseases. Last evaluated: 2022-05-03. Review status: criteria provided, single submitter. Criteria: Ambry Variant Classification Scheme 2023. Collection method: clinical testing. Allele origin: germline.

Revvity Omics, Revvity
Classification: Uncertain significance for Intellectual developmental disorder, autosomal dominant 39. Last evaluated: 2019-09-20. Review status: criteria provided, single submitter. Criteria: ACMG Guidelines, 2015. Collection method: clinical testing. Allele origin: germline.

PreventionGenetics, part of Exact Sciences
Classification: Likely benign for MYT1L-related condition. Last evaluated: 2020-08-25. Review status: no assertion criteria provided. Collection method: clinical testing. Allele origin: germline. Not counted in ClinVar's aggregate classification.
Comment: This variant is classified as likely benign based on ACMG/AMP sequence variant interpretation guidelines (Richards et al. 2015 PMID: 25741868, with internal and published modifications).

NM_001303052.2(MYT1L):c.21G>C (p.Glu7Asp)

Gene: MYT1L (myelin transcription factor 1 like; minus strand). Cytogenetic location: 2p25.3.
Variant type: single nucleotide variant.
Coding change: c.21G>C on transcript NM_001303052.2 (MANE Select); coding-DNA position 21, G replaced by C.
Protein change: p.Glu7Asp; replaces glutamic acid 7 with aspartic acid.
Molecular consequence: missense variant.
Genome position (GRCh38, 1-based): chr2:1,979,757, C>G on the plus strand (G>C on the coding strand, the complement: MYT1L is on the minus strand). VCF-style: chr2-1979757-C-G. GRCh37 (hg19) VCF-style: chr2-1983529-C-G.
Other names: c.21G>C, p.Glu7Asp (NM_001329844.2, NM_001329845.1, NM_001329846.3 and 6 more transcripts); c.21G>C (NM_001303052.1); short protein forms E7D.
Identifiers: ClinVar variation 2389981 (VCV002389981.8), dbSNP rs191317359, ClinGen allele CA1514500.